The following is an entry in ClinVar:

ClinVar aggregate classification (germline): Conflicting classifications of pathogenicity. Review status: criteria provided, conflicting classifications (1 of 4 stars). 2 submissions from 2 submitters: Likely pathogenic (1); Uncertain significance (1). Last evaluated 2025-04-19.

Conditions:
Aortic valve disease 2 (AOVD2). Identifiers: MedGen C3542024, MONDO:0013902, OMIM 614823.

Allele frequency attached by ClinVar (database versions not stated): TOPMed 0.00001; gnomAD 0.00001; gnomAD exomes below 0.00001.
gnomAD v4.1: 2 of 1,489,928 alleles (0.00013%); highest among the groups gnomAD compares: African/African-American, 0.0015%; no homozygotes.

Submissions (2):

GeneDx
Classification: Likely pathogenic. Last evaluated: 2025-04-19. Review status: criteria provided, single submitter. Criteria: GeneDx Variant Classification Process June 2021. Collection method: clinical testing. Allele origin: germline.
Comment: Reported in individuals from a single family who also harbored a 16p13.3 deletion and had features of alpha-thalassemia/impaired intellectual development syndrome (PMID: 32005695); Nonsense variant predicted to result in protein truncation or nonsense mediated decay in a gene for which loss of function is a known mechanism of disease; Not observed at significant frequency in large population cohorts (gnomAD); This variant is associated with the following publications: (PMID: 32005695)

Labcorp Genetics (formerly Invitae), Labcorp
Classification: Uncertain significance for Aortic valve disease 2. Last evaluated: 2023-05-22. Review status: criteria provided, single submitter. Criteria: Invitae Variant Classification Sherloc (09022015). Collection method: clinical testing. Allele origin: germline.
Comment: In summary, the available evidence is currently insufficient to determine the role of this variant in disease. Therefore, it has been classified as a Variant of Uncertain Significance. ClinVar contains an entry for this variant (Variation ID: 1404142). This premature translational stop signal has been observed in individual(s) with ATR-16 syndrome (PMID: 32005695). This variant is not present in population databases (gnomAD no frequency). This sequence change creates a premature translational stop signal (p.Arg12*) in the SMAD6 gene. It is expected to result in an absent or disrupted protein product. However, the current clinical and genetic evidence is not sufficient to establish whether loss-of-function variants in SMAD6 cause disease.

Literature cited by the submitters: PubMed 32005695 (cited by Labcorp Genetics (formerly Invitae), Labcorp).

NM_005585.5(SMAD6):c.34C>T (p.Arg12Ter)

Gene: SMAD6 (SMAD family member 6; plus strand). Cytogenetic location: 15q22.31.
Variant type: single nucleotide variant.
Coding change: c.34C>T on transcript NM_005585.5 (MANE Select); coding-DNA position 34, C replaced by T.
Protein change: p.Arg12Ter; replaces arginine 12 with a stop codon.
Molecular consequence: nonsense. On other transcripts: non-coding transcript variant (1).
Genome position (GRCh38, 1-based): chr15:66,703,292, C>T. VCF-style: chr15-66703292-C-T. GRCh37 (hg19) VCF-style: chr15-66995630-C-T.
Other names: c.34C>T (NM_005585.4); short protein forms R12*.
Identifiers: ClinVar variation 1404142 (VCV001404142.7), dbSNP rs1241989233, ClinGen allele CA392948324.